The following is an entry in ClinVar:

ClinVar aggregate classification (germline): Uncertain significance (1 of 4 stars; one submission).

Conditions:
Atrioventricular septal defect 5 (AVSD5). Identifiers: MedGen C3280939, MONDO:0013769, OMIM 614474.

Allele frequency attached by ClinVar (database versions not stated): TOPMed below 0.00001.

Submission:

Labcorp Genetics (formerly Invitae), Labcorp
Classification: Uncertain significance for Atrioventricular septal defect 5. Last evaluated: 2023-10-18. Review status: criteria provided, single submitter. Criteria: Invitae Variant Classification Sherloc (09022015). Collection method: clinical testing. Allele origin: germline.
Comment: This sequence change replaces alanine, which is neutral and non-polar, with threonine, which is neutral and polar, at codon 366 of the GATA6 protein (p.Ala366Thr). This variant is not present in population databases (gnomAD no frequency). This variant has not been reported in the literature in individuals affected with GATA6-related conditions. ClinVar contains an entry for this variant (Variation ID: 1956976). Advanced modeling of protein sequence and biophysical properties (such as structural, functional, and spatial information, amino acid conservation, physicochemical variation, residue mobility, and thermodynamic stability) performed at Invitae indicates that this missense variant is not expected to disrupt GATA6 protein function. In summary, the available evidence is currently insufficient to determine the role of this variant in disease. Therefore, it has been classified as a Variant of Uncertain Significance.

NM_005257.6(GATA6):c.1096G>A (p.Ala366Thr)

Gene: GATA6 (GATA binding protein 6; plus strand). Cytogenetic location: 18q11.2.
Variant type: single nucleotide variant.
Coding change: c.1096G>A on transcript NM_005257.6 (MANE Select); coding-DNA position 1096, G replaced by A.
Protein change: p.Ala366Thr; replaces alanine 366 with threonine.
Molecular consequence: missense variant.
Genome position (GRCh38, 1-based): chr18:22,172,240, G>A. VCF-style: chr18-22172240-G-A. GRCh37 (hg19) VCF-style: chr18-19752201-G-A.
Other names: short protein forms A366T.
Identifiers: ClinVar variation 1956976 (VCV001956976.5), dbSNP rs1598734465, ClinGen allele CA401801799.
Genomic context (GRCh38, chr18:22,172,240, plus strand): 5'-ACGCCTGCCTGGCCCGCCGGACCCTTCGAGACCCCGGTGCTGCACAGCCTGCAGAGCCGC[G>A]CCGGAGCCCCGCTCCCGGTGCCCCGGGGTCCCAGTGCAGGTAAGGGTCGCGCCTCAGGTT-3'
Protein context (NP_005248.2, residues 356-376): TPVLHSLQSR[Ala366Thr]GAPLPVPRGP